The following is an entry in ClinVar:

ClinVar aggregate classification (germline): Pathogenic (1 of 4 stars; one submission).

Conditions:
Arrhythmogenic cardiomyopathy with wooly hair and keratoderma. Also called: Dilated cardiomyopathy with woolly hair and keratoderma; PALMOPLANTAR KERATODERMA WITH LEFT VENTRICULAR CARDIOMYOPATHY AND WOOLLY HAIR; Carvajal syndrome; Arrhythmogenic cardiomyopathy with woolly hair and keratoderma. Identifiers: Orphanet 65282, MedGen C1854063, MONDO:0011581, OMIM 605676.
Arrhythmogenic right ventricular dysplasia 8 (ARVD8). Also called: Arrhythmogenic Right Ventricular Dysplasia/Cardiomyopathy 8; ARRHYTHMOGENIC RIGHT VENTRICULAR DYSPLASIA, FAMILIAL, 8; ARRHYTHMOGENIC RIGHT VENTRICULAR CARDIOMYOPATHY 8. Identifiers: MedGen C1843896, MONDO:0011831, OMIM 607450.

Submission:

Labcorp Genetics (formerly Invitae), Labcorp
Classification: Pathogenic for Arrhythmogenic cardiomyopathy with wooly hair and keratoderma; Arrhythmogenic right ventricular dysplasia 8. Last evaluated: 2024-06-05. Review status: criteria provided, single submitter. Criteria: Invitae Variant Classification Sherloc (09022015). Collection method: clinical testing. Allele origin: germline.
Comment: This sequence change creates a premature translational stop signal (p.Lys663Metfs*41) in the DSP gene. It is expected to result in an absent or disrupted protein product. Loss-of-function variants in DSP are known to be pathogenic (PMID: 20716751, 24503780, 25227139). This variant is not present in population databases (gnomAD no frequency). This variant has not been reported in the literature in individuals affected with DSP-related conditions. For these reasons, this variant has been classified as Pathogenic.

Literature cited by the submitters: PubMed 20716751; PubMed 24503780; PubMed 25227139.

NM_004415.4(DSP):c.1988_1998del (p.Lys663fs)

Gene: DSP (desmoplakin; plus strand). Cytogenetic location: 6p24.3.
Variant type: Deletion.
Coding change: c.1988_1998del on transcript NM_004415.4 (MANE Select); coding-DNA positions 1988 to 1998, 11 bases deleted (AGCAAGAAACA).
Protein change: p.Lys663fs; shifts the reading frame from lysine 663.
Molecular consequence: frameshift variant.
Genome position (GRCh38, 1-based): chr6:7,571,926-7,571,936, AGCAAGAAACA deleted; deleting any 11 consecutive bases within chr6:7,571,923-7,571,936 gives the same sequence; the c. name uses the placement nearest the transcript's 3' end. VCF-style (leftmost placement, unchanged base first): chr6-7571922-GACAAGCAAGAA-G. GRCh37 (hg19) VCF-style: chr6-7572155-GACAAGCAAGAA-G.
Other names: c.1988_1998del, p.Lys663fs (NM_001008844.3, NM_001319034.2); short protein forms K663fs.
Identifiers: ClinVar variation 3754909 (VCV003754909.2).
Genomic context (GRCh38, chr6:7,571,922, plus strand): 5'-CATCATGGAACCTGCCAAGATGTCAACCATAATAAAGTAATTGAAACCAACAGAGAAAAT[GACAAGCAAGAA>G]ACATGGATGCTGATGGAGCTGCAGAAGATTCGCAGGCAGATAGAGCACTGCGAGGGCAGG-3'